The following is an entry in ClinVar:

ClinVar aggregate classification (germline): Uncertain significance. Review status: criteria provided, multiple submitters, no conflicts (2 of 4 stars). 2 submissions from 2 submitters: Uncertain significance (2). Last evaluated 2026-03-12.

Conditions:
Hereditary cancer-predisposing syndrome. Also called: Neoplastic Syndromes, Hereditary; Hereditary neoplastic syndrome; Tumor predisposition; Hereditary Cancer Syndrome. Identifiers: Orphanet 140162, MedGen C0027672, MeSH D009386, MONDO:0015356.
Melanoma, cutaneous malignant, susceptibility to, 8. Also called: Cutaneous malignant melanoma 8; MELANOMA AND RENAL CELL CARCINOMA, SUSCEPTIBILITY TO. Identifiers: Orphanet 293822, MedGen C3152204, MONDO:0013759, OMIM 614456.
Tietz syndrome (TADS). Also called: ALBINISM-DEAFNESS OF TIETZ; HYPOPIGMENTATION/DEAFNESS OF TIETZ; TIETZ ALBINISM-DEAFNESS SYNDROME. Identifiers: Orphanet 42665, MedGen C0391816, MONDO:0007077, OMIM 103500.
Waardenburg syndrome type 2A (WS2A). Also called: WAARDENBURG SYNDROME WITHOUT DYSTOPIA CANTHORUM. Identifiers: Orphanet 3440, MedGen C1860339, MONDO:0008671, OMIM 193510.

Submissions (2):

Ambry Genetics
Classification: Uncertain significance for Hereditary cancer-predisposing syndrome. Last evaluated: 2026-03-12. Review status: criteria provided, single submitter. Criteria: Ambry Variant Classification Scheme 2023. Collection method: clinical testing. Allele origin: germline.
Comment: The p.M114V variant (also known as c.340A>G), located in coding exon 3 of the MITF gene, results from an A to G substitution at nucleotide position 340. The methionine at codon 114 is replaced by valine, an amino acid with highly similar properties. This amino acid position is conserved. In addition, the in silico prediction for this alteration is inconclusive. Based on the available evidence, the clinical significance of this variant remains unclear.

Labcorp Genetics (formerly Invitae), Labcorp
Classification: Uncertain significance for Melanoma, cutaneous malignant, susceptibility to, 8; Waardenburg syndrome type 2A; Tietz syndrome. Last evaluated: 2025-11-24. Review status: criteria provided, single submitter. Criteria: Invitae Variant Classification Sherloc (09022015). Collection method: clinical testing. Allele origin: germline.
Comment: This sequence change replaces methionine, which is neutral and non-polar, with valine, which is neutral and non-polar, at codon 114 of the MITF protein (p.Met114Val). This variant is not present in population databases (gnomAD no frequency). This variant has not been reported in the literature in individuals affected with MITF-related conditions. An algorithm developed to predict the effect of missense changes on protein structure and function (PolyPhen-2) suggests that this variant is likely to be tolerated. In summary, the available evidence is currently insufficient to determine the role of this variant in disease. Therefore, it has been classified as a Variant of Uncertain Significance.

NM_001354604.2(MITF):c.661A>G (p.Met221Val)

Gene: MITF (melanocyte inducing transcription factor; plus strand). Cytogenetic location: 3p13.
Variant type: single nucleotide variant.
Coding change: c.661A>G on transcript NM_001354604.2 (MANE Select); coding-DNA position 661, A replaced by G.
Protein change: p.Met221Val; replaces methionine 221 with valine.
Molecular consequence: missense variant.
Genome position (GRCh38, 1-based): chr3:69,939,176, A>G. VCF-style: chr3-69939176-A-G. GRCh37 (hg19) VCF-style: chr3-69988327-A-G.
Other names: c.505A>G, p.Met169Val (NM_001184967.2, NM_001354608.2); c.658A>G, p.Met220Val (NM_001354605.2, NM_001354606.2, NM_006722.3); c.610A>G, p.Met204Val (NM_001354607.2); c.340A>G, p.Met114Val (NM_198158.3, NM_000248.4); c.661A>G, p.Met221Val (NM_198159.3); c.613A>G, p.Met205Val (NM_198177.3); c.172A>G, p.Met58Val (NM_198178.3); short protein forms M169V, M204V, M58V, M205V, M114V, M221V, M220V.
Identifiers: ClinVar variation 4794093 (VCV004794093.2).